The following is an entry in ClinVar:

ClinVar aggregate classification (germline): Uncertain significance (1 of 4 stars; one submission).

gnomAD v4.1: 8 of 1,612,954 alleles (0.0005%); highest among the groups gnomAD compares: Non-Finnish European, 0.00068%; no homozygotes.

Submission:

Labcorp Genetics (formerly Invitae), Labcorp
Classification: Uncertain significance. Last evaluated: 2025-10-18. Review status: criteria provided, single submitter. Criteria: Invitae Variant Classification Sherloc (09022015). Collection method: clinical testing. Allele origin: germline.
Comment: This sequence change replaces phenylalanine, which is neutral and non-polar, with tyrosine, which is neutral and polar, at codon 1050 of the ALPK1 protein (p.Phe1050Tyr). This variant is not present in population databases (gnomAD no frequency). This variant has not been reported in the literature in individuals affected with ALPK1-related conditions. Invitae Evidence Modeling of protein sequence and biophysical properties (such as structural, functional, and spatial information, amino acid conservation, physicochemical variation, residue mobility, and thermodynamic stability) indicates that this missense variant is expected to disrupt ALPK1 protein function with a positive predictive value of 80%. In summary, the available evidence is currently insufficient to determine the role of this variant in disease. Therefore, it has been classified as a Variant of Uncertain Significance.

NM_025144.4(ALPK1):c.3149T>A (p.Phe1050Tyr)

Gene: ALPK1 (alpha kinase 1; plus strand). Cytogenetic location: 4q25.
Variant type: single nucleotide variant.
Coding change: c.3149T>A on transcript NM_025144.4 (MANE Select); coding-DNA position 3149, T replaced by A.
Protein change: p.Phe1050Tyr; replaces phenylalanine 1050 with tyrosine.
Molecular consequence: missense variant.
Genome position (GRCh38, 1-based): chr4:112,435,262, T>A. VCF-style: chr4-112435262-T-A. GRCh37 (hg19) VCF-style: chr4-113356418-T-A.
Other names: c.3149T>A, p.Phe1050Tyr (NM_001102406.2); c.2915T>A, p.Phe972Tyr (NM_001253884.2); short protein forms F1050Y, F972Y.
Identifiers: ClinVar variation 4743350 (VCV004743350.1).